The following is an entry in ClinVar:

ClinVar aggregate classification (germline): Uncertain significance (1 of 4 stars; one submission).

Conditions:
Intellectual disability, autosomal recessive 53 (NEDHSCA). Also called: GLYCOSYLPHOSPHATIDYLINOSITOL BIOSYNTHESIS DEFECT 13; Mental retardation, autosomal recessive 53; NEURODEVELOPMENTAL DISORDER WITH OR WITHOUT HYPOTONIA, SEIZURES, AND CEREBELLAR ATROPHY. Identifiers: Orphanet 488635, MedGen C4310794, MONDO:0014832, OMIM 616917.

Allele frequency attached by ClinVar (database versions not stated): gnomAD exomes 0.00001.
gnomAD v4.1: 12 of 1,614,106 alleles (0.00074%); highest among the groups gnomAD compares: Non-Finnish European, 0.001%; no homozygotes.

Submission:

Labcorp Genetics (formerly Invitae), Labcorp
Classification: Uncertain significance for Intellectual disability, autosomal recessive 53. Last evaluated: 2025-09-15. Review status: criteria provided, single submitter. Criteria: Invitae Variant Classification Sherloc (09022015). Collection method: clinical testing. Allele origin: germline.
Comment: This sequence change replaces leucine, which is neutral and non-polar, with tryptophan, which is neutral and slightly polar, at codon 353 of the PIGG protein (p.Leu353Trp). This variant is present in population databases (no rsID available, gnomAD 0.0009%). This variant has not been reported in the literature in individuals affected with PIGG-related conditions. ClinVar contains an entry for this variant (Variation ID: 1906820). Invitae Evidence Modeling of protein sequence and biophysical properties (such as structural, functional, and spatial information, amino acid conservation, physicochemical variation, residue mobility, and thermodynamic stability) indicates that this missense variant is expected to disrupt PIGG protein function with a positive predictive value of 80%. In summary, the available evidence is currently insufficient to determine the role of this variant in disease. Therefore, it has been classified as a Variant of Uncertain Significance.

NM_001127178.3(PIGG):c.1058T>G (p.Leu353Trp)

Gene: PIGG (phosphatidylinositol glycan anchor biosynthesis class G (EMM blood group); plus strand). Cytogenetic location: 4p16.3.
Variant type: single nucleotide variant.
Coding change: c.1058T>G on transcript NM_001127178.3 (MANE Select); coding-DNA position 1058, T replaced by G.
Protein change: p.Leu353Trp; replaces leucine 353 with tryptophan.
Molecular consequence: missense variant. On other transcripts: 5 prime UTR variant (3), non-coding transcript variant (10).
Genome position (GRCh38, 1-based): chr4:516,129, T>G. VCF-style: chr4-516129-T-G. GRCh37 (hg19) VCF-style: chr4-509918-T-G.
Other names: c.791T>G, p.Leu264Trp (NM_001289051.2, NM_001289053.2, NM_001289057.2 and 2 more transcripts); c.659T>G, p.Leu220Trp (NM_001289052.2); c.692T>G, p.Leu231Trp (NM_001289055.2); c.29T>G, p.Leu10Trp (NM_001345988.2); c.1058T>G, p.Leu353Trp (NM_001345989.2, NM_017733.5); c.-568T>G (NM_001345990.2); c.-430T>G (NM_001345991.2); c.-155T>G (NM_001345994.2); short protein forms L220W, L264W, L231W, L353W, L10W.
Identifiers: ClinVar variation 1906820 (VCV001906820.5), dbSNP rs1299182453, ClinGen allele CA355902161.